The following is an entry in ClinVar:

ClinVar aggregate classification (germline): Uncertain significance (1 of 4 stars; one submission).

Submission:

Labcorp Genetics (formerly Invitae), Labcorp
Classification: Uncertain significance. Last evaluated: 2021-06-28. Review status: criteria provided, single submitter. Criteria: Invitae Variant Classification Sherloc (09022015). Collection method: clinical testing. Allele origin: germline.
Comment: This sequence change replaces glutamine with histidine at codon 260 of the GPAA1 protein (p.Gln260His). The glutamine residue is moderately conserved and there is a small physicochemical difference between glutamine and histidine. This variant is not present in population databases (ExAC no frequency). This variant has not been reported in the literature in individuals with GPAA1-related conditions. Algorithms developed to predict the effect of missense changes on protein structure and function are either unavailable or do not agree on the potential impact of this missense change (SIFT: "Deleterious"; PolyPhen-2: "Benign"; Align-GVGD: "Class C0"). In summary, the available evidence is currently insufficient to determine the role of this variant in disease. Therefore, it has been classified as a Variant of Uncertain Significance.

NM_003801.4(GPAA1):c.780G>C (p.Gln260His)

Gene: GPAA1 (glycosylphosphatidylinositol anchor attachment 1; plus strand). Cytogenetic location: 8q24.3.
Variant type: single nucleotide variant.
Coding change: c.780G>C on transcript NM_003801.4 (MANE Select); coding-DNA position 780, G replaced by C.
Protein change: p.Gln260His; replaces glutamine 260 with histidine.
Molecular consequence: missense variant.
Genome position (GRCh38, 1-based): chr8:144,084,297, G>C. VCF-style: chr8-144084297-G-C. GRCh37 (hg19) VCF-style: chr8-145139200-G-C.
Other names: short protein forms Q260H.
Identifiers: ClinVar variation 1364442 (VCV001364442.8), dbSNP rs2129943002, ClinGen allele CA372600665.